The following is an entry in ClinVar:

ClinVar aggregate classification (germline): Pathogenic (1 of 4 stars; one submission).

Conditions:
Metachromatic leukodystrophy (MLD). Also called: Cerebral sclerosis diffuse metachromatic form; Arylsulfatase A Deficiency; ARSA DEFICIENCY; CEREBROSIDE SULFATASE DEFICIENCY; METACHROMATIC LEUKOENCEPHALOPATHY; SULFATIDE LIPIDOSIS. Identifiers: Orphanet 512, MedGen C0023522, MONDO:0018868, OMIM 250100.

Submission:

Labcorp Genetics (formerly Invitae), Labcorp
Classification: Pathogenic for Metachromatic leukodystrophy. Last evaluated: 2022-08-22. Review status: criteria provided, single submitter. Criteria: Invitae Variant Classification Sherloc (09022015). Collection method: clinical testing. Allele origin: germline.
Comment: This sequence change creates a premature translational stop signal (p.Gln192*) in the ARSA gene. It is expected to result in an absent or disrupted protein product. Loss-of-function variants in ARSA are known to be pathogenic (PMID: 8962139, 10477432). The frequency data for this variant in the population databases is considered unreliable, as metrics indicate poor data quality at this position in the gnomAD database. This variant has not been reported in the literature in individuals affected with ARSA-related conditions. For these reasons, this variant has been classified as Pathogenic.

Literature cited by the submitters: PubMed 8962139; PubMed 10477432.

NM_000487.6(ARSA):c.574C>T (p.Gln192Ter)

Gene: ARSA (arylsulfatase A; minus strand). Cytogenetic location: 22q13.33.
Variant type: single nucleotide variant.
Coding change: c.574C>T on transcript NM_000487.6 (MANE Select); coding-DNA position 574, C replaced by T.
Protein change: p.Gln192Ter; replaces glutamine 192 with a stop codon.
Molecular consequence: nonsense.
Genome position (GRCh38, 1-based): chr22:50,626,944, G>A on the plus strand (C>T on the coding strand, the complement: ARSA is on the minus strand). VCF-style: chr22-50626944-G-A. GRCh37 (hg19) VCF-style: chr22-51065372-G-A.
Other names: c.574C>T, p.Gln192Ter (NM_001085425.3, NM_001085426.3, NM_001085427.3); c.316C>T, p.Gln106Ter (NM_001085428.3, NM_001362782.2); short protein forms Q106*, Q192*.
Identifiers: ClinVar variation 2093587 (VCV002093587.4), dbSNP rs1238459356, ClinGen allele CA412177474.